The following is an entry in ClinVar:

NM_000038.6(APC):c.5900C>G (p.Ser1967Cys)

Gene: APC (APC regulator of Wnt signaling pathway; plus strand). Cytogenetic location: 5q22.2.
Variant type: single nucleotide variant.
Coding change: c.5900C>G on transcript NM_000038.6 (MANE Select); coding-DNA position 5900, C replaced by G.
Protein change: p.Ser1967Cys; replaces serine 1967 with cysteine.
Molecular consequence: missense variant.
Genome position (GRCh38, 1-based): chr5:112,841,494, C>G. VCF-style: chr5-112841494-C-G. GRCh37 (hg19) VCF-style: chr5-112177191-C-G.
Other names: c.5900C>G, p.Ser1967Cys (NM_001127510.3, NM_001354895.2); c.5846C>G, p.Ser1949Cys (NM_001127511.3); c.5954C>G, p.Ser1985Cys (NM_001354896.2); c.5930C>G, p.Ser1977Cys (NM_001354897.2); c.5825C>G, p.Ser1942Cys (NM_001354898.2); c.5816C>G, p.Ser1939Cys (NM_001354899.2); c.5777C>G, p.Ser1926Cys (NM_001354900.2); c.5723C>G, p.Ser1908Cys (NM_001354901.2); and 5 more; short protein forms S1949C, S1967C, S1985C, S1908C, S1684C, S1866C, S1942C, S1977C.
Identifiers: ClinVar variation 570783 (VCV000570783.11), dbSNP rs1561603538, ClinGen allele CA16034244.

ClinVar aggregate classification (germline): Uncertain significance. Review status: criteria provided, multiple submitters, no conflicts (2 of 4 stars). 3 submissions from 3 submitters: Uncertain significance (3). Last evaluated 2024-03-06.

Conditions:
Hereditary cancer-predisposing syndrome. Also called: Hereditary neoplastic syndrome; Tumor predisposition; Neoplastic Syndromes, Hereditary; Hereditary Cancer Syndrome. Identifiers: Orphanet 140162, MedGen C0027672, MeSH D009386, MONDO:0015356.
Familial adenomatous polyposis 1 (FAP1). Also called: POLYPOSIS, ADENOMATOUS INTESTINAL; FAMILIAL ADENOMATOUS POLYPOSIS 1, ATTENUATED. Identifiers: MedGen C2713442, MONDO:0021056, OMIM 175100. Disease mechanism: loss of function.

Allele frequency attached by ClinVar (database versions not stated): gnomAD exomes below 0.00001.
gnomAD v4.1: 1 of 1,613,298 alleles (0.000062%); highest among the groups gnomAD compares: Non-Finnish European, 0.000085%; no homozygotes.

Submissions (3):

Color Diagnostics, LLC DBA Color Health
Classification: Uncertain significance for Hereditary cancer-predisposing syndrome. Last evaluated: 2024-03-06. Review status: criteria provided, single submitter. Criteria: ACMG Guidelines, 2015. Collection method: clinical testing. Allele origin: germline.
Comment: This missense variant replaces serine with cysteine at codon 1967 of the APC protein. Computational prediction suggests that this variant may have deleterious impact on protein structure and function (internally defined REVEL score threshold >= 0.7, PMID: 27666373). To our knowledge, functional studies have not been reported for this variant. This variant has not been reported in individuals affected with hereditary cancer in the literature. This variant has not been identified in the general population by the Genome Aggregation Database (gnomAD). The available evidence is insufficient to determine the role of this variant in disease conclusively. Therefore, this variant is classified as a Variant of Uncertain Significance.

Labcorp Genetics (formerly Invitae), Labcorp
Classification: Uncertain significance for Familial adenomatous polyposis 1. Last evaluated: 2022-12-03. Review status: criteria provided, single submitter. Criteria: Invitae Variant Classification Sherloc (09022015). Collection method: clinical testing. Allele origin: germline.
Comment: This variant has not been reported in the literature in individuals affected with APC-related conditions. This sequence change replaces serine, which is neutral and polar, with cysteine, which is neutral and slightly polar, at codon 1967 of the APC protein (p.Ser1967Cys). This variant is not present in population databases (gnomAD no frequency). ClinVar contains an entry for this variant (Variation ID: 570783). Advanced modeling of protein sequence and biophysical properties (such as structural, functional, and spatial information, amino acid conservation, physicochemical variation, residue mobility, and thermodynamic stability) performed at Invitae indicates that this missense variant is not expected to disrupt APC protein function. In summary, the available evidence is currently insufficient to determine the role of this variant in disease. Therefore, it has been classified as a Variant of Uncertain Significance.

AiLife Diagnostics
Classification: Uncertain significance. Last evaluated: 2021-10-26. Review status: criteria provided, single submitter. Criteria: ACMG Guidelines, 2015. Collection method: clinical testing. Allele origin: germline. Affected: yes. Observed: 1 variant allele.